The following is an entry in ClinVar:

NM_005051.3(QARS1):c.1253A>G (p.Tyr418Cys)

Gene: QARS1 (glutaminyl-tRNA synthetase 1; minus strand). Cytogenetic location: 3p21.31.
Variant type: single nucleotide variant.
Coding change: c.1253A>G on transcript NM_005051.3 (MANE Select); coding-DNA position 1253, A replaced by G.
Protein change: p.Tyr418Cys; replaces tyrosine 418 with cysteine.
Molecular consequence: missense variant. On other transcripts: non-coding transcript variant (1).
Genome position (GRCh38, 1-based): chr3:49,100,003, T>C on the plus strand (A>G on the coding strand, the complement: QARS1 is on the minus strand). VCF-style: chr3-49100003-T-C. GRCh37 (hg19) VCF-style: chr3-49137436-T-C.
Other names: c.1220A>G, p.Tyr407Cys (NM_001272073.2); short protein forms Y407C, Y418C.
Identifiers: ClinVar variation 1008385 (VCV001008385.5), dbSNP rs772662033, ClinGen allele CA2391838.

ClinVar aggregate classification (germline): Uncertain significance (1 of 4 stars; one submission).

Conditions:
Diffuse cerebral and cerebellar atrophy - intractable seizures - progressive microcephaly syndrome. Also called: Microcephaly, progressive, with seizures and cerebral and cerebellar atrophy. Identifiers: Orphanet 404437, MedGen C4014239, MONDO:0014335, OMIM 615760.

Allele frequency attached by ClinVar (database versions not stated): gnomAD exomes below 0.00001; ExAC 0.00001.
gnomAD v4.1: 2 of 1,614,218 alleles (0.00012%); highest among the groups gnomAD compares: East Asian, 0.0022%; no homozygotes.

Submission:

Labcorp Genetics (formerly Invitae), Labcorp
Classification: Uncertain significance for Diffuse cerebral and cerebellar atrophy - intractable seizures - progressive microcephaly syndrome. Last evaluated: 2020-03-26. Review status: criteria provided, single submitter. Criteria: Invitae Variant Classification Sherloc (09022015). Collection method: clinical testing. Allele origin: germline.
Comment: This sequence change replaces tyrosine with cysteine at codon 418 of the QARS protein (p.Tyr418Cys). The tyrosine residue is highly conserved and there is a large physicochemical difference between tyrosine and cysteine. This variant is present in population databases (rs772662033, ExAC 0.01%). This variant has not been reported in the literature in individuals with QARS-related conditions. Algorithms developed to predict the effect of missense changes on protein structure and function (SIFT, PolyPhen-2, Align-GVGD) all suggest that this variant is likely to be disruptive, but these predictions have not been confirmed by published functional studies and their clinical significance is uncertain. In summary, the available evidence is currently insufficient to determine the role of this variant in disease. Therefore, it has been classified as a Variant of Uncertain Significance.